The following is an entry in ClinVar:

NM_020066.5(FMN2):c.2216dup (p.Leu739fs)

Gene: FMN2 (formin 2; plus strand). Cytogenetic location: 1q43.
Variant type: Duplication.
Coding change: c.2216dup on transcript NM_020066.5 (MANE Select); coding-DNA position 2216, one base duplicated (T; older notation c.2216dupT).
Protein change: p.Leu739fs; shifts the reading frame from leucine 739.
Molecular consequence: frameshift variant. On other transcripts: intron variant (1).
Genome position (GRCh38, 1-based): chr1:240,207,028, T duplicated; the last of 4 consecutive T bases (chr1:240,207,025-240,207,028); duplicating any one gives the same sequence. VCF-style (leftmost placement, unchanged base first): chr1-240207024-A-AT. GRCh37 (hg19) VCF-style: chr1-240370324-A-AT.
Other names: c.2228dup, p.Leu743fs (NM_001305424.2); c.1986+18766dup (NM_001348094.2); short protein forms L739fs, L743fs.
Identifiers: ClinVar variation 5017747 (VCV005017747.1).

ClinVar aggregate classification (germline): Pathogenic (1 of 4 stars; one submission).

Submission:

GeneDx
Classification: Pathogenic. Last evaluated: 2026-03-31. Review status: criteria provided, single submitter. Criteria: GeneDx Variant Classification Process June 2021. Collection method: clinical testing. Allele origin: germline.
Comment: Frameshift variant predicted to result in protein truncation or nonsense mediated decay in a gene for which loss of function is a known mechanism of disease; Not observed at significant frequency in large population cohorts (gnomAD); Has not been previously published as pathogenic or benign to our knowledge